The following is an entry in ClinVar:

ClinVar aggregate classification (germline): Likely pathogenic (1 of 4 stars; one submission).

Conditions:
Juvenile polyposis syndrome (JPS). Identifiers: Orphanet 2929, MedGen C0345893, MONDO:0017380, OMIM 174900.

Submission:

3billion
Classification: Likely pathogenic for Juvenile polyposis syndrome. Last evaluated: 2022-05-22. Review status: criteria provided, single submitter. Criteria: ACMG Guidelines, 2015. Collection method: clinical testing. Allele origin: germline. Affected: yes. Observed: 1 heterozygote.
Comment: The variant is not observed in the gnomAD v2.1.1 dataset. Frameshift: predicted to result in a loss or disruption of normal protein function through nonsense-mediated decay (NMD) or protein truncation. Multiple pathogenic variants are reported downstream of the variant. Therefore, this variant is classified as likely pathogenic according to the recommendation of ACMG/AMP guideline.

NM_004329.3(BMPR1A):c.1126dup (p.Cys376fs)

Gene: BMPR1A (bone morphogenetic protein receptor type 1A; plus strand). Cytogenetic location: 10q23.2.
Variant type: Duplication.
Coding change: c.1126dup on transcript NM_004329.3 (MANE Select); coding-DNA position 1126, one base duplicated (T; older notation c.1126dupT).
Protein change: p.Cys376fs; shifts the reading frame from cysteine 376.
Molecular consequence: frameshift variant.
Genome position (GRCh38, 1-based): chr10:86,919,429, T duplicated; the last of 2 consecutive T bases (chr10:86,919,428-86,919,429); duplicating either gives the same sequence. VCF-style (leftmost placement, unchanged base first): chr10-86919427-G-GT. GRCh37 (hg19) VCF-style: chr10-88679184-G-GT.
Other names: short protein forms C376fs.
Identifiers: ClinVar variation 1687334 (VCV001687334.1), dbSNP rs2133593716, ClinGen allele CA2573145715.
Genomic context (GRCh38, chr10:86,919,427, plus strand): 5'-AGCCCGCAATTGCTCATCGAGACCTAAAGAGCAAAAACATCCTCATCAAGAAAAATGGGA[G>GT]TTGCTGCATTGCTGACCTGGGCCTTGCTGTTAAATTCAACAGGTGAGTGGTTCTTTGCCC-3'